The following is an entry in ClinVar:

NM_014845.6(FIG4):c.647-12T>A

Gene: FIG4 (FIG4 phosphoinositide 5-phosphatase; plus strand). Cytogenetic location: 6q21.
Variant type: single nucleotide variant.
Coding change: c.647-12T>A on transcript NM_014845.6 (MANE Select); 12 bases into the intron before coding-DNA position 647, T replaced by A.
Molecular consequence: intron variant.
Genome position (GRCh38, 1-based): chr6:109,738,313, T>A. VCF-style: chr6-109738313-T-A. GRCh37 (hg19) VCF-style: chr6-110059516-T-A.
Identifiers: ClinVar variation 5019305 (VCV005019305.2).

ClinVar aggregate classification (germline): Uncertain significance (1 of 4 stars; one submission).

Conditions:
Bilateral parasagittal parieto-occipital polymicrogyria. Also called: Polymicrogyria, bilateral temporooccipital. Identifiers: Orphanet 208441, MedGen C4013648, MONDO:0012986, OMIM 612691.
Amyotrophic lateral sclerosis type 11 (ALS11). Identifiers: Orphanet 803, MedGen C2675491, MONDO:0012945, OMIM 612577.
Charcot-Marie-Tooth disease type 4J (CMT4J). Also called: Charcot-Marie-Tooth Neuropathy Type 4J; CHARCOT-MARIE-TOOTH DISEASE, DEMYELINATING, TYPE 4J; CHARCOT-MARIE-TOOTH DISEASE, AUTOSOMAL RECESSIVE, TYPE 4J. Identifiers: Orphanet 139515, MedGen C1970011, MONDO:0012640, OMIM 611228.
Yunis-Varon syndrome (YVS). Also called: Cleidocranial dysplasia, micrognathia, absent thumbs, & distal aphalangia. Identifiers: Orphanet 3472, MedGen C1857663, MONDO:0008995, OMIM 216340.

Submission:

Juno Genomics, Hangzhou Juno Genomics, Inc
Classification: Uncertain significance for Bilateral parasagittal parieto-occipital polymicrogyria; Amyotrophic lateral sclerosis type 11; Charcot-Marie-Tooth disease type 4J; Yunis-Varon syndrome. Review status: criteria provided, single submitter. Criteria: ACMG Guidelines, 2015. Collection method: clinical testing. Allele origin: germline.
Comment: Absent from controls (or at extremely low frequency if recessive) in Genome Aggregation Database.;Multiple lines of computational evidence support a deleterious effect on the gene or gene product.